The following is an entry in ClinVar:

ClinVar aggregate classification (germline): Uncertain significance (1 of 4 stars; one submission).

Conditions:
Hereditary cancer-predisposing syndrome. Also called: Neoplastic Syndromes, Hereditary; Tumor predisposition; Hereditary Cancer Syndrome; Hereditary neoplastic syndrome. Identifiers: Orphanet 140162, MedGen C0027672, MeSH D009386, MONDO:0015356.

Submission:

Ambry Genetics
Classification: Uncertain significance for Hereditary cancer-predisposing syndrome. Last evaluated: 2022-08-23. Review status: criteria provided, single submitter. Criteria: Ambry Variant Classification Scheme 2023. Collection method: clinical testing. Allele origin: germline.
Comment: The p.A350S variant (also known as c.1048G>T), located in coding exon 4 of the MSH6 gene, results from a G to T substitution at nucleotide position 1048. The alanine at codon 350 is replaced by serine, an amino acid with similar properties. This amino acid position is poorly conserved in available vertebrate species. In addition, this alteration is predicted to be tolerated by in silico analysis. Since supporting evidence is limited at this time, the clinical significance of this alteration remains unclear.

NM_000179.3(MSH6):c.1048G>T (p.Ala350Ser)

Gene: MSH6 (mutS homolog 6; plus strand). Cytogenetic location: 2p16.3.
Variant type: single nucleotide variant.
Coding change: c.1048G>T on transcript NM_000179.3 (MANE Select); coding-DNA position 1048, G replaced by T.
Protein change: p.Ala350Ser; replaces alanine 350 with serine.
Molecular consequence: missense variant.
Genome position (GRCh38, 1-based): chr2:47,799,031, G>T. VCF-style: chr2-47799031-G-T. GRCh37 (hg19) VCF-style: chr2-48026170-G-T.
Other names: c.658G>T, p.Ala220Ser (NM_001281492.2); c.142G>T, p.Ala48Ser (NM_001281493.2, NM_001281494.2, NM_001406811.1 and 6 more transcripts); c.1144G>T, p.Ala382Ser (NM_001406795.1, NM_001406802.1); c.1048G>T, p.Ala350Ser (NM_001406796.1, NM_001406798.1, NM_001406800.1 and 4 more transcripts); c.751G>T, p.Ala251Ser (NM_001406797.1, NM_001406801.1, NM_001406805.1 and 10 more transcripts); c.523G>T, p.Ala175Ser (NM_001406799.1, NM_001406806.1, NM_001406807.1); c.970G>T, p.Ala324Ser (NM_001406804.1); c.1054G>T, p.Ala352Ser (NM_001406813.1); and 1 more; short protein forms A220S, A294S, A350S, A382S, A324S, A48S, A175S, A352S.
Identifiers: ClinVar variation 1776205 (VCV001776205.2), dbSNP rs1425548621, ClinGen allele CA346741515.
Genomic context (GRCh38, chr2:47,799,031, plus strand): 5'-TCATCAGAAACCAAGAATACTTTGAGAGCTTTCTCTGCCCCTCAAAATTCTGAATCCCAA[G>T]CCCACGTTAGTGGAGGTGGTGATGACAGTAGTCGCCCTACTGTTTGGTATCATGAAACTT-3'
Protein context (NP_000170.1, residues 340-360): FSAPQNSESQ[Ala350Ser]HVSGGGDDSS